The following is an entry in ClinVar:

ClinVar aggregate classification (germline): Likely pathogenic. Review status: criteria provided, single submitter (1 of 4 stars). 2 submissions from 2 submitters: Likely pathogenic (1). 1 of the submissions does not count toward it. Last evaluated 2023-10-05.

Conditions:
Autosomal recessive congenital ichthyosis 1 (LI1). Also called: COLLODION FETUS; DESQUAMATION OF NEWBORN; ICHTHYOSIS CONGENITA; ICHTHYOSIS CONGENITA II; LAMELLAR EXFOLIATION OF NEWBORN; ICHTHYOSIS, CONGENITAL, AUTOSOMAL RECESSIVE 1, WITH BATHING SUIT DISTRIBUTION. Identifiers: MedGen C4551630, MONDO:0009441, OMIM 242300.

Allele frequency attached by ClinVar (database versions not stated): gnomAD exomes below 0.00001.
gnomAD v4.1: 1 of 1,614,120 alleles (0.000062%); highest among the groups gnomAD compares: Non-Finnish European, 0.000085%; no homozygotes.

Submissions (2):

Labcorp Genetics (formerly Invitae), Labcorp
Classification: Likely pathogenic. Last evaluated: 2023-10-05. Review status: criteria provided, single submitter. Criteria: Invitae Variant Classification Sherloc (09022015). Collection method: clinical testing. Allele origin: germline.
Comment: This sequence change replaces leucine, which is neutral and non-polar, with proline, which is neutral and non-polar, at codon 388 of the TGM1 protein (p.Leu388Pro). This variant is not present in population databases (gnomAD no frequency). This missense change has been observed in individual(s) with congenital ichthyosis (PMID: 27025581). ClinVar contains an entry for this variant (Variation ID: 551121). Advanced modeling of protein sequence and biophysical properties (such as structural, functional, and spatial information, amino acid conservation, physicochemical variation, residue mobility, and thermodynamic stability) performed at Invitae indicates that this missense variant is expected to disrupt TGM1 protein function. In summary, the currently available evidence indicates that the variant is pathogenic, but additional data are needed to prove that conclusively. Therefore, this variant has been classified as Likely Pathogenic.

Counsyl
Classification: Uncertain significance for Autosomal recessive congenital ichthyosis 1. Last evaluated: 2017-03-15. Review status: no assertion criteria provided. Collection method: clinical testing. Allele origin: unknown. Not counted in ClinVar's aggregate classification.

Literature cited by the submitters: PubMed 27025581 (cited by Labcorp Genetics (formerly Invitae), Labcorp and Counsyl).

NM_000359.3(TGM1):c.1163T>C (p.Leu388Pro)

Gene: TGM1 (transglutaminase 1; minus strand). Cytogenetic location: 14q12.
Variant type: single nucleotide variant.
Coding change: c.1163T>C on transcript NM_000359.3 (MANE Select); coding-DNA position 1163, T replaced by C.
Protein change: p.Leu388Pro; replaces leucine 388 with proline.
Molecular consequence: missense variant.
Genome position (GRCh38, 1-based): chr14:24,258,670, A>G on the plus strand (T>C on the coding strand, the complement: TGM1 is on the minus strand). VCF-style: chr14-24258670-A-G. GRCh37 (hg19) VCF-style: chr14-24727876-A-G.
Other names: short protein forms L388P.
Identifiers: ClinVar variation 551121 (VCV000551121.5), dbSNP rs1555306116, ClinGen allele CA389262887.